The following is an entry in ClinVar:

NM_020699.4(GATAD2B):c.633G>C (p.Gln211His)

Gene: GATAD2B (GATA zinc finger domain containing 2B; minus strand). Cytogenetic location: 1q21.3.
Variant type: single nucleotide variant.
Coding change: c.633G>C on transcript NM_020699.4 (MANE Select); coding-DNA position 633, G replaced by C.
Protein change: p.Gln211His; replaces glutamine 211 with histidine.
Molecular consequence: missense variant.
Genome position (GRCh38, 1-based): chr1:153,818,136, C>G on the plus strand (G>C on the coding strand, the complement: GATAD2B is on the minus strand). VCF-style: chr1-153818136-C-G. GRCh37 (hg19) VCF-style: chr1-153790612-C-G.
Other names: short protein forms Q211H.
Identifiers: ClinVar variation 2662848 (VCV002662848.1), dbSNP rs2101881437, ClinGen allele CA342532095.
Genomic context (GRCh38, chr1:153,818,136, plus strand): 5'-GGCCCCAGGCCGAGAGGGAAGCTTAGATAGGCCCTGCTGTCCCACATGGGCAGGAGATGG[C>G]TGAACAATAGATGCTGCATTCTGTACAACTGGAGTCTGGGAGAGGGAAGAGAAAATAAGA-3'
Protein context (NP_065750.1, residues 201-221): PVVQNAASIV[Gln211His]PSPAHVGQQG

ClinVar aggregate classification (germline): Uncertain significance (1 of 4 stars; one submission).

Submission:

GeneDx
Classification: Uncertain significance. Last evaluated: 2023-04-18. Review status: criteria provided, single submitter. Criteria: GeneDx Variant Classification Process June 2021. Collection method: clinical testing. Allele origin: germline. Affected: yes.
Comment: Not observed at significant frequency in large population cohorts (gnomAD); In silico analysis supports that this missense variant does not alter protein structure/function; Has not been previously published as pathogenic or benign to our knowledge